The following is an entry in ClinVar:

ClinVar aggregate classification (germline): Uncertain significance. Review status: criteria provided, single submitter (1 of 4 stars). 2 submissions from 2 submitters: Uncertain significance (1). 1 of the submissions does not count toward it. Last evaluated 2025-10-03.

Conditions:
THSD4-related disorder. Also called: THSD4-related condition.

Allele frequency attached by ClinVar (database versions not stated): gnomAD exomes 0.00016; 1000 Genomes Project 30x 0.00047; gnomAD 0.00129; TOPMed 0.00130; ExAC 0.00040; 1000 Genomes Project 0.00060; ESP Exome Variant Server 0.00104.
gnomAD v4.1: 453 of 1,614,260 alleles (0.028%); highest among the groups gnomAD compares: African/African-American, 0.38%; 1 homozygote.

Submissions (2):

Ambry Genetics
Classification: Uncertain significance. Last evaluated: 2025-10-03. Review status: criteria provided, single submitter. Criteria: Ambry Variant Classification Scheme 2023. Collection method: clinical testing. Allele origin: germline.

PreventionGenetics, part of Exact Sciences
Classification: Likely benign for THSD4-related condition. Last evaluated: 2022-12-27. Review status: no assertion criteria provided. Collection method: clinical testing. Allele origin: germline. Not counted in ClinVar's aggregate classification.
Comment: This variant is classified as likely benign based on ACMG/AMP sequence variant interpretation guidelines (Richards et al. 2015 PMID: 25741868, with internal and published modifications).

NM_024817.3(THSD4):c.1702G>A (p.Glu568Lys)

Gene: THSD4 (thrombospondin type 1 domain containing 4; plus strand). Cytogenetic location: 15q23.
Variant type: single nucleotide variant.
Coding change: c.1702G>A on transcript NM_024817.3 (MANE Select); coding-DNA position 1702, G replaced by A.
Protein change: p.Glu568Lys; replaces glutamic acid 568 with lysine.
Molecular consequence: missense variant.
Genome position (GRCh38, 1-based): chr15:71,737,803, G>A. VCF-style: chr15-71737803-G-A. GRCh37 (hg19) VCF-style: chr15-72030142-G-A.
Other names: c.622G>A, p.Glu208Lys (NM_001286429.2); c.1702G>A, p.Glu568Lys (NM_001394532.1); short protein forms E208K, E568K.
Identifiers: ClinVar variation 3044285 (VCV003044285.3), dbSNP rs185781006, ClinGen allele CA7639636.